The following is an entry in ClinVar:

ClinVar aggregate classification (germline): Uncertain significance. Review status: criteria provided, multiple submitters, no conflicts (2 of 4 stars). 3 submissions from 3 submitters: Uncertain significance (3). Last evaluated 2025-10-06.

Conditions:
Inborn genetic diseases. Identifiers: MedGen C0950123, MeSH D030342.
Spondylodysplastic Ehlers-Danlos syndrome. Identifiers: Orphanet 536471, Orphanet 75496, MedGen C5680154, MONDO:0007526.

Allele frequency attached by ClinVar (database versions not stated): gnomAD 0.00002; gnomAD exomes 0.00002; TOPMed 0.00003.
gnomAD v4.1: 40 of 1,613,554 alleles (0.0025%); highest among the groups gnomAD compares: East Asian, 0.0067%; no homozygotes.

Submissions (3):

Women's Health and Genetics/Laboratory Corporation of America, LabCorp
Classification: Uncertain significance. Last evaluated: 2025-10-06. Review status: criteria provided, single submitter. Criteria: LabCorp Variant Classification Summary - May 2015. Collection method: clinical testing. Allele origin: germline.
Comment: Variant summary: B4GALT7 c.79C>T (p.Arg27Trp) results in a non-conservative amino acid change in the encoded protein sequence. Algorithms developed to predict the effect of missense changes on protein structure and function are either unavailable or do not agree on the potential impact of this missense change. The variant allele was found at a frequency of 2e-05 in 248004 control chromosomes. The available data on variant occurrences in the general population are insufficient to allow any conclusion about variant significance. To our knowledge, no occurrence of c.79C>T in individuals affected with B4GALT7-related conditions and no experimental evidence demonstrating its impact on protein function have been reported. ClinVar contains an entry for this variant (Variation ID: 1411281). Based on the evidence outlined above, the variant was classified as uncertain significance.

Ambry Genetics
Classification: Uncertain significance for Inborn genetic diseases. Last evaluated: 2025-05-28. Review status: criteria provided, single submitter. Criteria: Ambry Variant Classification Scheme 2023. Collection method: clinical testing. Allele origin: germline.

Labcorp Genetics (formerly Invitae), Labcorp
Classification: Uncertain significance for Spondylodysplastic Ehlers-Danlos syndrome. Last evaluated: 2022-05-15. Review status: criteria provided, single submitter. Criteria: Invitae Variant Classification Sherloc (09022015). Collection method: clinical testing. Allele origin: germline.
Comment: This sequence change replaces arginine, which is basic and polar, with tryptophan, which is neutral and slightly polar, at codon 27 of the B4GALT7 protein (p.Arg27Trp). This variant is present in population databases (no rsID available, gnomAD 0.01%). This variant has not been reported in the literature in individuals affected with B4GALT7-related conditions. Algorithms developed to predict the effect of missense changes on protein structure and function are either unavailable or do not agree on the potential impact of this missense change (SIFT: "Tolerated"; PolyPhen-2: "Possibly Damaging"; Align-GVGD: "Class C0"). In summary, the available evidence is currently insufficient to determine the role of this variant in disease. Therefore, it has been classified as a Variant of Uncertain Significance.

NM_007255.3(B4GALT7):c.79C>T (p.Arg27Trp)

Gene: B4GALT7 (beta-1,4-galactosyltransferase 7; plus strand). Cytogenetic location: 5q35.3.
Variant type: single nucleotide variant.
Coding change: c.79C>T on transcript NM_007255.3 (MANE Select); coding-DNA position 79, C replaced by T.
Protein change: p.Arg27Trp; replaces arginine 27 with tryptophan.
Molecular consequence: missense variant.
Genome position (GRCh38, 1-based): chr5:177,604,207, C>T. VCF-style: chr5-177604207-C-T. GRCh37 (hg19) VCF-style: chr5-177031208-C-T.
Other names: c.79C>T (NM_007255.2); short protein forms R27W.
Identifiers: ClinVar variation 1411281 (VCV001411281.5), dbSNP rs947051343, ClinGen allele CA132891807.